The following is an entry in ClinVar:

NM_003073.5(SMARCB1):c.597G>C (p.Lys199Asn)

Gene: SMARCB1 (SWI/SNF related BAF chromatin remodeling complex subunit B1; plus strand). Cytogenetic location: 22q11.23.
Variant type: single nucleotide variant.
Coding change: c.597G>C on transcript NM_003073.5 (MANE Select); coding-DNA position 597, G replaced by C.
Protein change: p.Lys199Asn; replaces lysine 199 with asparagine.
Molecular consequence: missense variant.
Genome position (GRCh38, 1-based): chr22:23,803,391, G>C. VCF-style: chr22-23803391-G-C. GRCh37 (hg19) VCF-style: chr22-24145578-G-C.
Other names: c.570G>C, p.Lys190Asn (NM_001007468.3); c.624G>C, p.Lys208Asn (NM_001317946.2); c.651G>C, p.Lys217Asn (NM_001362877.2); short protein forms K199N, K208N, K217N, K190N.
Identifiers: ClinVar variation 3587859 (VCV003587859.2).

ClinVar aggregate classification (germline): Uncertain significance. Review status: criteria provided, multiple submitters, no conflicts (2 of 4 stars). 2 submissions from 2 submitters: Uncertain significance (2). Last evaluated 2026-08-05.

Conditions:
Hereditary cancer-predisposing syndrome. Also called: Hereditary neoplastic syndrome; Neoplastic Syndromes, Hereditary; Tumor predisposition; Hereditary Cancer Syndrome. Identifiers: Orphanet 140162, MedGen C0027672, MeSH D009386, MONDO:0015356.
Rhabdoid tumor predisposition syndrome 1 (RTPS1). Also called: Familial Posterior Fossa Brain Tumor of Infancy. Identifiers: Orphanet 231108, Orphanet 69077, MedGen C1836327, MONDO:0012252, OMIM 609322.
Intellectual disability, autosomal dominant 15 (CSS3). Also called: COFFIN-SIRIS SYNDROME 3. Identifiers: Orphanet 1465, MedGen C3553248, MONDO:0013820, OMIM 614608.
SMARCB1-related schwannomatosis. Also called: SWNTS1; Schwannomatosis 1. Identifiers: Orphanet 93921, MedGen C4048809, MONDO:0024517, OMIM 162091. Disease mechanism: loss of function.

Submissions (2):

Ambry Genetics
Classification: Uncertain significance for Hereditary cancer-predisposing syndrome. Last evaluated: 2026-08-05. Review status: criteria provided, single submitter. Criteria: Ambry Variant Classification Scheme 2023. Collection method: clinical testing. Allele origin: germline.
Comment: The p.K199N variant (also known as c.597G>C), located in coding exon 5 of the SMARCB1 gene, results from a G to C substitution at nucleotide position 597. The lysine at codon 199 is replaced by asparagine, an amino acid with similar properties. This amino acid position is highly conserved in available vertebrate species. In addition, the in silico prediction for this alteration is inconclusive. Based on the available evidence, the clinical significance of this variant remains unclear.

Fulgent Genetics
Classification: Uncertain significance for SMARCB1-related schwannomatosis; Rhabdoid tumor predisposition syndrome 1; Intellectual disability, autosomal dominant 15. Last evaluated: 2024-05-22. Review status: criteria provided, single submitter. Criteria: ACMG Guidelines, 2015. Collection method: clinical testing. Allele origin: germline.